The following is an entry in ClinVar:

NM_017697.4(ESRP1):c.930T>A (p.Gly310=)

Gene: ESRP1 (epithelial splicing regulatory protein 1; plus strand). Cytogenetic location: 8q22.1.
Variant type: single nucleotide variant.
Coding change: c.930T>A on transcript NM_017697.4 (MANE Select); coding-DNA position 930, T replaced by A.
Protein change: p.Gly310=; no amino-acid change (glycine 310 retained).
Molecular consequence: synonymous variant.
Genome position (GRCh38, 1-based): chr8:94,665,195, T>A. VCF-style: chr8-94665195-T-A. GRCh37 (hg19) VCF-style: chr8-95677423-T-A.
Other names: c.930T>A, p.Gly310= (NM_001034915.3, NM_001122825.2, NM_001122826.2 and 1 more transcripts).
Identifiers: ClinVar variation 3038487 (VCV003038487.2), dbSNP rs1204240039, ClinGen allele CA461904187.
Genomic context (GRCh38, chr8:94,665,195, plus strand): 5'-CTTCTCTGTCTTTTCTCAGGTTTACAAAGCAACAGGTGAAGATTTCCTTAAAATTGCTGG[T>A]GGTAAGTGCCTTTTACATAATGTGGCTTTAGTTAATAAGAATCTAAAAATTTTGCATACT-3'
Protein context (NP_060167.2, residues 300-320): ATGEDFLKIA[Gly310=]GTSNEVAQFL

ClinVar aggregate classification (germline): Likely benign (0 of 4 stars; one submission).

Conditions:
ESRP1-related disorder. Also called: ESRP1-related condition.

gnomAD v4.1: 16 of 1,612,458 alleles (0.00099%); highest among the groups gnomAD compares: Middle Eastern, 0.05%; no homozygotes.

Submission:

PreventionGenetics, part of Exact Sciences
Classification: Likely benign for ESRP1-related condition. Last evaluated: 2019-05-20. Review status: no assertion criteria provided. Collection method: clinical testing. Allele origin: germline.
Comment: This variant is classified as likely benign based on ACMG/AMP sequence variant interpretation guidelines (Richards et al. 2015 PMID: 25741868, with internal and published modifications).